The following is an entry in ClinVar:

ClinVar aggregate classification (germline): Pathogenic. Review status: criteria provided, multiple submitters, no conflicts (2 of 4 stars). 3 submissions from 3 submitters: Pathogenic (3). Last evaluated 2023-08-01.

Conditions:
Thrombocytopenia 1. Also called: X-linked thrombocytopenia with normal platelets; THROMBOCYTOPENIA, X-LINKED, 1; X-Linked Thrombocytopenia (XLT). Identifiers: Orphanet 268322, Orphanet 852, MedGen C1839163, MONDO:0010743, OMIM 313900.
X-linked severe congenital neutropenia (SCNX). Identifiers: Orphanet 86788, MedGen C1845987, MONDO:0010294, OMIM 300299.
Wiskott-Aldrich syndrome (WAS). Also called: ALDRICH SYNDROME; IMMUNODEFICIENCY 2; WISKOTT-ALDRICH SYNDROME 1; Wiskott-aldrich syndrome, somatic. Identifiers: Orphanet 906, MedGen C0043194, MONDO:0010518, OMIM 301000.

Submissions (3):

GeneDx
Classification: Pathogenic. Last evaluated: 2023-08-01. Review status: criteria provided, single submitter. Criteria: GeneDx Variant Classification Process June 2021. Collection method: clinical testing. Allele origin: germline. Affected: yes.
Comment: Frameshift variant predicted to result in protein truncation or nonsense mediated decay in a gene for which loss of function is a known mechanism of disease; Not observed at significant frequency in large population cohorts (gnomAD); This variant is associated with the following publications: (PMID: 32888943, 9326235)

Labcorp Genetics (formerly Invitae), Labcorp
Classification: Pathogenic for Wiskott-Aldrich syndrome; X-linked severe congenital neutropenia; Thrombocytopenia 1. Last evaluated: 2021-07-29. Review status: criteria provided, single submitter. Criteria: Invitae Variant Classification Sherloc (09022015). Collection method: clinical testing. Allele origin: germline.
Comment: This sequence change creates a premature translational stop signal (p.Pro59Leufs*17) in the WAS gene. It is expected to result in an absent or disrupted protein product. Loss-of-function variants in WAS are known to be pathogenic (PMID: 15284122). This variant is not present in population databases (ExAC no frequency). This variant has not been reported in the literature in individuals affected with WAS-related conditions. For these reasons, this variant has been classified as Pathogenic.

Seattle Children's Hospital Molecular Genetics Laboratory, Seattle Children's Hospital
Classification: Pathogenic for Thrombocytopenia 1. Review status: criteria provided, single submitter. Criteria: ACMG Guidelines, 2015. Collection method: clinical testing. Allele origin: germline. Affected: yes.
Comment: The p.Pro59Leufs*17 variant has been reported in multiple unrelated individuals with WAS-related disorders (PMID: 9326235, PMID: 15284122 ,PMID: 32888943), and is absent from large population studies (gnomAD v2.1.1). Please note this variant has been described in the literature using alternative nomenclature (c.206-210delC, c.172delC).

Literature cited by the submitters: PubMed 15284122 (cited by Labcorp Genetics (formerly Invitae), Labcorp).

NM_000377.3(WAS):c.176del (p.Pro59fs)

Gene: WAS (WASP actin nucleation promoting factor; plus strand). Cytogenetic location: Xp11.23.
Variant type: Deletion.
Coding change: c.176del on transcript NM_000377.3 (MANE Select); coding-DNA position 176, one base deleted (C; older notation c.176delC).
Protein change: p.Pro59fs; shifts the reading frame from proline 59.
Molecular consequence: frameshift variant.
Genome position (GRCh38, 1-based): chrX:48,684,326, C deleted; the last of 5 consecutive C bases (chrX:48,684,322-48,684,326); deleting any one gives the same sequence. VCF-style (leftmost placement, unchanged base first): chrX-48684321-GC-G. GRCh37 (hg19) VCF-style: chrX-48542710-GC-G.
Other names: c.176del (NM_000377.2); short protein forms P59fs.
Identifiers: ClinVar variation 1360224 (VCV001360224.2), dbSNP rs2147262809, ClinGen allele CA2536813349.